The following is an entry in ClinVar:

ClinVar aggregate classification (germline): Uncertain significance. Review status: criteria provided, multiple submitters, no conflicts (2 of 4 stars). 2 submissions from 2 submitters: Uncertain significance (2). Last evaluated 2023-08-13.

Conditions:
Hereditary cancer-predisposing syndrome. Also called: Hereditary neoplastic syndrome; Neoplastic Syndromes, Hereditary; Tumor predisposition; Hereditary Cancer Syndrome. Identifiers: Orphanet 140162, MedGen C0027672, MeSH D009386, MONDO:0015356.
Oligodontia-cancer predisposition syndrome. Also called: TOOTH AGENESIS-COLORECTAL CANCER SYNDROME. Identifiers: Orphanet 300576, MedGen C1837750, MONDO:0012075, OMIM 608615. Disease mechanism: loss of function.

Submissions (2):

Labcorp Genetics (formerly Invitae), Labcorp
Classification: Uncertain significance for Oligodontia-cancer predisposition syndrome. Last evaluated: 2023-08-13. Review status: criteria provided, single submitter. Criteria: Invitae Variant Classification Sherloc (09022015). Collection method: clinical testing. Allele origin: germline.
Comment: This sequence change replaces lysine, which is basic and polar, with threonine, which is neutral and polar, at codon 797 of the AXIN2 protein (p.Lys797Thr). ClinVar contains an entry for this variant (Variation ID: 533231). Advanced modeling of protein sequence and biophysical properties (such as structural, functional, and spatial information, amino acid conservation, physicochemical variation, residue mobility, and thermodynamic stability) performed at Invitae indicates that this missense variant is expected to disrupt AXIN2 protein function. In summary, the available evidence is currently insufficient to determine the role of this variant in disease. Therefore, it has been classified as a Variant of Uncertain Significance. This variant is not present in population databases (gnomAD no frequency). This variant has not been reported in the literature in individuals affected with AXIN2-related conditions.

Ambry Genetics
Classification: Uncertain significance for Hereditary cancer-predisposing syndrome. Last evaluated: 2023-02-05. Review status: criteria provided, single submitter. Criteria: Ambry Variant Classification Scheme 2023. Collection method: clinical testing. Allele origin: germline.
Comment: The p.K797T variant (also known as c.2390A>C), located in coding exon 9 of the AXIN2 gene, results from an A to C substitution at nucleotide position 2390. The lysine at codon 797 is replaced by threonine, an amino acid with similar properties. This amino acid position is conserved. In addition, this alteration is predicted to be deleterious by in silico analysis. Since supporting evidence is limited at this time, the clinical significance of this alteration remains unclear.

NM_004655.4(AXIN2):c.2390A>C (p.Lys797Thr)

Gene: AXIN2 (axin 2; minus strand). Cytogenetic location: 17q24.1.
Variant type: single nucleotide variant.
Coding change: c.2390A>C on transcript NM_004655.4 (MANE Select); coding-DNA position 2390, A replaced by C.
Protein change: p.Lys797Thr; replaces lysine 797 with threonine.
Molecular consequence: missense variant.
Genome position (GRCh38, 1-based): chr17:65,533,927, T>G on the plus strand (A>C on the coding strand, the complement: AXIN2 is on the minus strand). VCF-style: chr17-65533927-T-G. GRCh37 (hg19) VCF-style: chr17-63530045-T-G.
Other names: c.2195A>C, p.Lys732Thr (NM_001363813.1); c.2390A>C (LRG_296t1); short protein forms K797T, K732T.
Identifiers: ClinVar variation 533231 (VCV000533231.8), dbSNP rs1555576353, ClinGen allele CA400675347.